The following is an entry in ClinVar:

NM_022455.5(NSD1):c.549C>T (p.Ile183=)

Gene: NSD1 (nuclear receptor binding SET domain protein 1; plus strand). Cytogenetic location: 5q35.3.
Variant type: single nucleotide variant.
Coding change: c.549C>T on transcript NM_022455.5 (MANE Select); coding-DNA position 549, C replaced by T.
Protein change: p.Ile183=; no amino-acid change (isoleucine 183 retained).
Molecular consequence: synonymous variant. On other transcripts: intron variant (8).
Genome position (GRCh38, 1-based): chr5:177,135,652, C>T. VCF-style: chr5-177135652-C-T. GRCh37 (hg19) VCF-style: chr5-176562653-C-T.
Other names: c.549C>T, p.Ile183= (NM_001409301.1, NM_001409302.1, NM_001409303.1); c.417+132C>T (NM_001409304.1); c.-36-289C>T (NM_001409305.1, NM_001409306.1, NM_001409308.1 and 4 more transcripts).
Identifiers: ClinVar variation 524729 (VCV000524729.9), dbSNP rs758535770, ClinGen allele CA3576905.
Genomic context (GRCh38, chr5:177,135,652, plus strand): 5'-TGTAGATTCTGAAATGGACCCAGAACAGCCAGTCACAGAGGATGAGAGTATAGAGGAGAT[C>T]TTTGAGGAAACTCAGACCAATGCCACCTGCAATTATGAGACTAAATCAGAGAATGGTGTA-3'
Protein context (NP_071900.2, residues 173-193): PVTEDESIEE[Ile183=]FEETQTNATC

ClinVar aggregate classification (germline): Likely benign. Review status: criteria provided, multiple submitters, no conflicts (2 of 4 stars). 2 submissions from 2 submitters: Likely benign (2). Last evaluated 2026-06-15.

Conditions:
NSD1-related disorder. Also called: NSD1-related condition.

Allele frequency attached by ClinVar (database versions not stated): ExAC 0.00001.
gnomAD v4.1: 48 of 1,614,078 alleles (0.003%); highest among the groups gnomAD compares: Non-Finnish European, 0.004%; no homozygotes.

Submissions (2):

PreventionGenetics, part of Exact Sciences
Classification: Likely benign for NSD1-related condition. Last evaluated: 2026-06-15. Review status: criteria provided, single submitter. Criteria: ACMG Guidelines, 2015. Collection method: clinical testing. Allele origin: germline.
Comment: This variant is classified as likely benign based on ACMG/AMP sequence variant interpretation guidelines (Richards et al. 2015 PMID: 25741868, with internal and published modifications).

Labcorp Genetics (formerly Invitae), Labcorp
Classification: Likely benign. Last evaluated: 2025-06-11. Review status: criteria provided, single submitter. Criteria: Invitae Variant Classification Sherloc (09022015). Collection method: clinical testing. Allele origin: germline.